The following is an entry in ClinVar:

NM_001190274.2(FBXO11):c.1153+1G>A

Gene: FBXO11 (F-box protein 11; minus strand). Cytogenetic location: 2p16.3.
Variant type: single nucleotide variant.
Coding change: c.1153+1G>A on transcript NM_001190274.2 (MANE Select); the canonical splice donor site of the intron after coding-DNA position 1153, G replaced by A.
Molecular consequence: splice donor variant.
Genome position (GRCh38, 1-based): chr2:47,832,768, C>T on the plus strand (G>A on the coding strand, the complement: FBXO11 is on the minus strand). VCF-style: chr2-47832768-C-T. GRCh37 (hg19) VCF-style: chr2-48059907-C-T.
Other names: c.901+1G>A (NM_001374325.1, NM_025133.4).
Identifiers: ClinVar variation 3383227 (VCV003383227.1).

ClinVar aggregate classification (germline): Likely pathogenic (1 of 4 stars; one submission).

Conditions:
Intellectual developmental disorder with dysmorphic facies and behavioral abnormalities. Identifiers: MedGen C4748135, MONDO:0060760, OMIM 618089.

Submission:

MVZ Medizinische Genetik Mainz
Classification: Likely pathogenic for Intellectual developmental disorder with dysmorphic facies and behavioral abnormalities. Last evaluated: 2024-10-31. Review status: criteria provided, single submitter. Criteria: UK Practice Guidelines For Variant Classification V4 01 2020. Collection method: clinical testing. Allele origin: germline. Inheritance: Autosomal dominant inheritance. Affected: yes. Observed: 1 variant allele.
Comment: ACMG Criteria: PVS1,PM2_SUP